The following is an entry in ClinVar:

ClinVar aggregate classification (germline): Uncertain significance. Review status: criteria provided, multiple submitters, no conflicts (2 of 4 stars). 3 submissions from 3 submitters: Uncertain significance (3). Last evaluated 2025-09-03.

Conditions:
Fanconi anemia (FA). Also called: Fanconi's anemia. Identifiers: Orphanet 84, MedGen C0015625, MeSH D005199, MONDO:0019391.
Fanconi anemia complementation group L (FANCL). Also called: FANCL-Related Fanconi Anemia. Identifiers: Orphanet 84, MedGen C3469528, MONDO:0013566, OMIM 614083.

Allele frequency attached by ClinVar (database versions not stated): gnomAD 0.00001; TOPMed 0.00001.
gnomAD v4.1: 11 of 1,613,936 alleles (0.00068%); highest among the groups gnomAD compares: Non-Finnish European, 0.00085%; no homozygotes.

Submissions (3):

Labcorp Genetics (formerly Invitae), Labcorp
Classification: Uncertain significance for Fanconi anemia. Last evaluated: 2025-09-03. Review status: criteria provided, single submitter. Criteria: Invitae Variant Classification Sherloc (09022015). Collection method: clinical testing. Allele origin: germline.
Comment: This sequence change replaces leucine, which is neutral and non-polar, with phenylalanine, which is neutral and non-polar, at codon 214 of the FANCL protein (p.Leu214Phe). This variant is present in population databases (no rsID available, gnomAD 0.0009%). This variant has not been reported in the literature in individuals affected with FANCL-related conditions. ClinVar contains an entry for this variant (Variation ID: 1691891). Invitae Evidence Modeling of protein sequence and biophysical properties (such as structural, functional, and spatial information, amino acid conservation, physicochemical variation, residue mobility, and thermodynamic stability) indicates that this missense variant is expected to disrupt FANCL protein function with a positive predictive value of 80%. In summary, the available evidence is currently insufficient to determine the role of this variant in disease. Therefore, it has been classified as a Variant of Uncertain Significance.

Fulgent Genetics
Classification: Uncertain significance for Fanconi anemia complementation group L. Last evaluated: 2024-01-29. Review status: criteria provided, single submitter. Criteria: ACMG Guidelines, 2015. Collection method: clinical testing. Allele origin: germline.

Sema4
Classification: Uncertain significance for Fanconi anemia. Last evaluated: 2021-12-13. Review status: criteria provided, single submitter. Criteria: Sema4 Curation Guidelines. Collection method: curation. Allele origin: germline.
Comment: The FANCL c.640C>T (p.L214F) variant has not been reported in the literature to our knowledge. It was observed in 1/113712 chromosomes of the European (non-Finnish) subpopulation in the large and broad cohorts of the Genome Aggregation Database (PMID: 32461654). This variant has not been reported in ClinVar. Functional studies have not been performed, and in silico predictions of the variant's effect on protein function are inconclusive. The evidence is insufficient to meet ACMG/AMP criteria for classifying the variant as benign or pathogenic. Thus, the clinical significance of this variant is currently uncertain.

NM_018062.4(FANCL):c.640C>T (p.Leu214Phe)

Gene: FANCL (FA complementation group L; minus strand). Cytogenetic location: 2p16.1.
Variant type: single nucleotide variant.
Coding change: c.640C>T on transcript NM_018062.4 (MANE Select); coding-DNA position 640, C replaced by T.
Protein change: p.Leu214Phe; replaces leucine 214 with phenylalanine.
Molecular consequence: missense variant.
Genome position (GRCh38, 1-based): chr2:58,165,775, G>A on the plus strand (C>T on the coding strand, the complement: FANCL is on the minus strand). VCF-style: chr2-58165775-G-A. GRCh37 (hg19) VCF-style: chr2-58392910-G-A.
Other names: c.655C>T, p.Leu219Phe (NM_001114636.2); c.685C>T, p.Leu229Phe (NM_001374615.1); c.700C>T, p.Leu234Phe (NM_001410792.1); short protein forms L214F, L219F, L229F, L234F.
Identifiers: ClinVar variation 1691891 (VCV001691891.7), dbSNP rs765926796, ClinGen allele CA48358453.